The following is an entry in ClinVar:

ClinVar aggregate classification (germline): Conflicting classifications of pathogenicity. Review status: criteria provided, conflicting classifications (1 of 4 stars). 2 submissions from 2 submitters: Likely pathogenic (1); Uncertain significance (1). Last evaluated 2026-07-24.

Conditions:
GRIN1-related disorder. Also called: GRIN1-related condition.
Neurodevelopmental disorder with or without hyperkinetic movements and seizures, autosomal dominant. Also called: Intellectual disability, autosomal dominant 8. Identifiers: MedGen C3280282, MONDO:0013655, OMIM 614254.

Submissions (2):

PreventionGenetics, part of Exact Sciences
Classification: Uncertain significance for GRIN1-related condition. Last evaluated: 2026-07-24. Review status: criteria provided, single submitter. Criteria: ACMG Guidelines, 2015. Collection method: clinical testing. Allele origin: germline.
Comment: The GRIN1 c.352G>A variant is predicted to result in the amino acid substitution p.Val118Met. This variant has been reported de novo in an individual with infantile onset generalized dystonia (Table S2, Zech et al. 2020. PubMed ID: 33098801; Table S2, Dzinovic et al. 2022. PubMed ID: 35872528). This variant has not been reported in a large population database (gnomAD), indicating this variant is rare. Although we suspect that this variant may be pathogenic, at this time, the clinical significance of this variant is uncertain due to the absence of conclusive functional and genetic evidence.

Institute of Human Genetics Munich, TUM University Hospital
Classification: Likely pathogenic for Neurodevelopmental disorder with or without hyperkinetic movements and seizures, autosomal dominant. Last evaluated: 2018-01-04. Review status: criteria provided, single submitter. Criteria: Classification criteria August 2017. Collection method: clinical testing. Allele origin: de novo. Inheritance: Autosomal dominant inheritance. Affected: yes. Observed: 1 compound heterozygote.

NM_007327.4(GRIN1):c.352G>A (p.Val118Met)

Gene: GRIN1 (glutamate ionotropic receptor NMDA type subunit 1; plus strand). Cytogenetic location: 9q34.3.
Variant type: single nucleotide variant.
Coding change: c.352G>A on transcript NM_007327.4 (MANE Select); coding-DNA position 352, G replaced by A.
Protein change: p.Val118Met; replaces valine 118 with methionine.
Molecular consequence: missense variant.
Genome position (GRCh38, 1-based): chr9:137,142,106, G>A. VCF-style: chr9-137142106-G-A. GRCh37 (hg19) VCF-style: chr9-140036558-G-A.
Other names: c.352G>A, p.Val118Met (NM_000832.7, NM_001185090.2, NM_001185091.2 and 1 more transcripts); c.352G>A (NM_007327.3); short protein forms V118M.
Identifiers: ClinVar variation 807608 (VCV000807608.5), dbSNP rs1588686286, ClinGen allele CA375713704.
Genomic context (GRCh38, chr9:137,142,106, plus strand): 5'-CCCAACGACCACTTCACTCCCACCCCTGTCTCCTACACAGCCGGCTTCTACCGCATACCC[G>A]TGCTGGGGCTGACCACCCGCATGTCCATCTACTCGGACAAGGTAAGCCTGACTGCCAGAC-3'
Protein context (NP_015566.1, residues 108-128): SYTAGFYRIP[Val118Met]LGLTTRMSIY